The following is an entry in ClinVar:

ClinVar aggregate classification (germline): Uncertain significance (1 of 4 stars; one submission).

Submission:

Labcorp Genetics (formerly Invitae), Labcorp
Classification: Uncertain significance. Last evaluated: 2021-01-10. Review status: criteria provided, single submitter. Criteria: Invitae Variant Classification Sherloc (09022015). Collection method: clinical testing. Allele origin: germline.
Comment: This variant has not been reported in the literature in individuals with RCBTB1-related conditions. This sequence change falls in intron 7 of the RCBTB1 gene. It does not directly change the encoded amino acid sequence of the RCBTB1 protein. It affects a nucleotide within the consensus splice site of the intron. This variant is not present in population databases (ExAC no frequency). Nucleotide substitutions within the consensus splice site are a relatively common cause of aberrant splicing (PMID: 17576681, 9536098). Algorithms developed to predict the effect of sequence changes on RNA splicing suggest that this variant is not likely to affect RNA splicing, but this prediction has not been confirmed by published transcriptional studies. In summary, the available evidence is currently insufficient to determine the role of this variant in disease. Therefore, it has been classified as a Variant of Uncertain Significance.

Literature cited by the submitters: PubMed 17576681; PubMed 9536098.

NM_018191.4(RCBTB1):c.711+6T>A

Gene: RCBTB1 (RCC1 and BTB domain containing protein 1; minus strand). Cytogenetic location: 13q14.2.
Variant type: single nucleotide variant.
Coding change: c.711+6T>A on transcript NM_018191.4 (MANE Select); 6 bases into the intron after coding-DNA position 711, T replaced by A.
Molecular consequence: intron variant.
Genome position (GRCh38, 1-based): chr13:49,552,172, A>T on the plus strand (T>A on the coding strand, the complement: RCBTB1 is on the minus strand). VCF-style: chr13-49552172-A-T. GRCh37 (hg19) VCF-style: chr13-50126308-A-T.
Other names: c.711+6T>A (NM_001352501.2, NM_001352502.2, NM_001352503.2 and 3 more transcripts); c.132+6T>A (NM_001352506.2).
Identifiers: ClinVar variation 1515783 (VCV001515783.6), dbSNP rs2139185989, ClinGen allele CA2573149636.